The following is an entry in ClinVar:

NM_001134363.3(RBM20):c.2018G>A (p.Arg673Gln)

Gene: RBM20 (RNA binding motif protein 20; plus strand). Cytogenetic location: 10q25.2.
Variant type: single nucleotide variant.
Coding change: c.2018G>A on transcript NM_001134363.3 (MANE Select); coding-DNA position 2018, G replaced by A.
Protein change: p.Arg673Gln; replaces arginine 673 with glutamine.
Molecular consequence: missense variant.
Genome position (GRCh38, 1-based): chr10:110,812,415, G>A. VCF-style: chr10-110812415-G-A. GRCh37 (hg19) VCF-style: chr10-112572173-G-A.
Other names: c.2018G>A (LRG_382t1); short protein forms R673Q.
Identifiers: ClinVar variation 238546 (VCV000238546.27), dbSNP rs138926584, ClinGen allele CA5688662.
Genomic context (GRCh38, chr10:110,812,415, plus strand): 5'-CCTCCTGCAGCTCTTCCCACAGCCCTCCGGGCCCCTCCCGGGCTGACTGGGGCAATGGCC[G>A]GGACTCCTGGGAGCACTCTCCCTATGCCAGGAGGGAGGAAGAGCGAGACCCGGCTCCCTG-3'
Protein context (NP_001127835.2, residues 663-683): GPSRADWGNG[Arg673Gln]DSWEHSPYAR

ClinVar aggregate classification (germline): Conflicting classifications of pathogenicity. Review status: criteria provided, conflicting classifications (1 of 4 stars). 10 submissions from 10 submitters: Uncertain significance (2); Benign (1); Likely benign (3). 4 of the submissions do not count toward it. Last evaluated 2026-02-01.

Conditions:
Dilated cardiomyopathy 1DD (CMD1DD). Identifiers: Orphanet 154, MedGen C2750995, MONDO:0013168, OMIM 613172.
Cardiovascular phenotype. Identifiers: MedGen CN230736.

Allele frequency attached by ClinVar (database versions not stated): gnomAD 0.00006 and 0.00018; TOPMed 0.00012; gnomAD exomes 0.00023 and 0.00038; ExAC 0.00027; 1000 Genomes Project 30x 0.00125; 1000 Genomes Project 0.00160.
gnomAD v4.1: 542 of 1,551,680 alleles (0.035%); highest among the groups gnomAD compares: East Asian, 1.3%; 3 homozygotes.

Submissions (10):

Labcorp Genetics (formerly Invitae), Labcorp
Classification: Likely benign for Dilated cardiomyopathy 1DD. Last evaluated: 2026-02-01. Review status: criteria provided, single submitter. Criteria: Invitae Variant Classification Sherloc (09022015). Collection method: clinical testing. Allele origin: germline.

Women's Health and Genetics/Laboratory Corporation of America, LabCorp
Classification: Likely benign. Last evaluated: 2025-01-17. Review status: criteria provided, single submitter. Criteria: LabCorp Variant Classification Summary - May 2015. Collection method: clinical testing. Allele origin: germline.

Ambry Genetics
Classification: Benign for Cardiovascular phenotype. Last evaluated: 2021-10-12. Review status: criteria provided, single submitter. Criteria: Ambry Variant Classification Scheme 2023. Collection method: clinical testing. Allele origin: germline.

GeneDx
Classification: Likely benign. Last evaluated: 2020-11-30. Review status: criteria provided, single submitter. Criteria: GeneDx Variant Classification Process June 2021. Collection method: clinical testing. Allele origin: germline. Affected: yes.
Comment: This variant is associated with the following publications: (PMID: 24558114)

Fulgent Genetics
Classification: Uncertain significance for Dilated cardiomyopathy 1DD. Last evaluated: 2018-10-31. Review status: criteria provided, single submitter. Criteria: ACMG Guidelines, 2015. Collection method: clinical testing. Allele origin: unknown.

Illumina Laboratory Services, Illumina
Classification: Uncertain significance for Dilated cardiomyopathy 1DD. Last evaluated: 2018-01-13. Review status: criteria provided, single submitter. Criteria: ICSL Variant Classification Criteria 13 December 2019. Collection method: clinical testing. Allele origin: germline.

Knight Diagnostic Laboratories, Oregon Health and Sciences University
Classification: Uncertain significance for Dilated cardiomyopathy 1DD. Last evaluated: 2016-01-27. Review status: no assertion criteria provided. Criteria: ACMG Guidelines, 2015. Collection method: clinical testing. Allele origin: germline. Affected: no. Study: CSER-NextGen. Not counted in ClinVar's aggregate classification.

Clinical Genetics, Academic Medical Center
Classification: Likely benign. Review status: no assertion criteria provided. Collection method: clinical testing. Allele origin: germline. Affected: yes. Study: VKGL Data-share Consensus. Not counted in ClinVar's aggregate classification.

Diagnostic Laboratory, Department of Genetics, University Medical Center Groningen
Classification: Likely benign. Review status: no assertion criteria provided. Collection method: clinical testing. Allele origin: germline. Affected: yes. Study: VKGL Data-share Consensus. Not counted in ClinVar's aggregate classification.

Joint Genome Diagnostic Labs from Nijmegen and Maastricht, Radboudumc and MUMC+
Classification: Likely benign. Review status: no assertion criteria provided. Collection method: clinical testing. Allele origin: germline. Affected: yes. Study: VKGL Data-share Consensus. Not counted in ClinVar's aggregate classification.